The following is an entry in ClinVar:

ClinVar aggregate classification (germline): Conflicting classifications of pathogenicity. Review status: criteria provided, conflicting classifications (1 of 4 stars). 3 submissions from 3 submitters: Uncertain significance (2); Likely benign (1). Last evaluated 2025-10-28.

Conditions:
Inborn genetic diseases. Identifiers: MedGen C0950123, MeSH D030342.
RAI1-related disorder. Also called: RAI1-related condition.

Allele frequency attached by ClinVar (database versions not stated): gnomAD 0.00001; gnomAD exomes 0.00001; TOPMed 0.00001; ExAC 0.00002; ESP Exome Variant Server 0.00008.
gnomAD v4.1: 19 of 1,613,910 alleles (0.0012%); highest among the groups gnomAD compares: Non-Finnish European, 0.0016%; no homozygotes.

Submissions (3):

Ambry Genetics
Classification: Likely benign for Inborn genetic diseases. Last evaluated: 2025-10-28. Review status: criteria provided, single submitter. Criteria: Ambry Variant Classification Scheme 2023. Collection method: clinical testing. Allele origin: germline.

PreventionGenetics, part of Exact Sciences
Classification: Uncertain significance for RAI1-related condition. Last evaluated: 2025-09-24. Review status: criteria provided, single submitter. Criteria: ACMG Guidelines, 2015. Collection method: clinical testing. Allele origin: germline.
Comment: The RAI1 c.4861C>T variant is predicted to result in the amino acid substitution p.Pro1621Ser. To our knowledge, this variant has not been reported in the literature. This variant is reported in 0.0040% of alleles in individuals of African descent in gnomAD. At this time, the clinical significance of this variant is uncertain due to the absence of conclusive functional and genetic evidence.

Labcorp Genetics (formerly Invitae), Labcorp
Classification: Uncertain significance. Last evaluated: 2024-08-06. Review status: criteria provided, single submitter. Criteria: Invitae Variant Classification Sherloc (09022015). Collection method: clinical testing. Allele origin: germline.
Comment: This sequence change replaces proline, which is neutral and non-polar, with serine, which is neutral and polar, at codon 1621 of the RAI1 protein (p.Pro1621Ser). This variant is present in population databases (rs143485040, gnomAD 0.004%). This variant has not been reported in the literature in individuals affected with RAI1-related conditions. ClinVar contains an entry for this variant (Variation ID: 1418418). Advanced modeling of protein sequence and biophysical properties (such as structural, functional, and spatial information, amino acid conservation, physicochemical variation, residue mobility, and thermodynamic stability) performed at Invitae indicates that this missense variant is not expected to disrupt RAI1 protein function with a negative predictive value of 80%. In summary, the available evidence is currently insufficient to determine the role of this variant in disease. Therefore, it has been classified as a Variant of Uncertain Significance.

NM_030665.4(RAI1):c.4861C>T (p.Pro1621Ser)

Gene: RAI1 (retinoic acid induced 1; plus strand). Cytogenetic location: 17p11.2.
Variant type: single nucleotide variant.
Coding change: c.4861C>T on transcript NM_030665.4 (MANE Select); coding-DNA position 4861, C replaced by T.
Protein change: p.Pro1621Ser; replaces proline 1621 with serine.
Molecular consequence: missense variant.
Genome position (GRCh38, 1-based): chr17:17,797,809, C>T. VCF-style: chr17-17797809-C-T. GRCh37 (hg19) VCF-style: chr17-17701123-C-T.
Other names: c.4861C>T (NM_030665.3); short protein forms P1621S.
Identifiers: ClinVar variation 1418418 (VCV001418418.10), dbSNP rs143485040, ClinGen allele CA8419047.